The following is an entry in ClinVar:

ClinVar aggregate classification (germline): Uncertain significance. Review status: criteria provided, multiple submitters, no conflicts (2 of 4 stars). 5 submissions from 5 submitters: Uncertain significance (5). Last evaluated 2025-09-02.

Conditions:
Catecholaminergic polymorphic ventricular tachycardia 1. Also called: VENTRICULAR TACHYCARDIA, STRESS-INDUCED POLYMORPHIC 1; VENTRICULAR TACHYCARDIA, CATECHOLAMINERGIC POLYMORPHIC, 1, WITH OR WITHOUT ATRIAL DYSFUNCTION AND/OR DILATED CARDIOMYOPATHY; RYR2-Related Catecholaminergic Polymorphic Ventricular Tachycardia. Identifiers: Orphanet 3286, MedGen C1631597, MONDO:0011484, OMIM 604772.
Catecholaminergic polymorphic ventricular tachycardia (CVPT). Also called: Catecholamine-induced polymorphic ventricular tachycardia. Identifiers: Orphanet 3286, MedGen C5574922, MONDO:0017990.
Cardiomyopathy (CMYO). Also called: Cardiomyopathies. Identifiers: Orphanet 167848, MedGen C0878544, MONDO:0004994, HP:0001638. Inheritance: Various modes of inheritance.

Allele frequency attached by ClinVar (database versions not stated): gnomAD exomes below 0.00001; TOPMed below 0.00001; gnomAD 0.00001.
gnomAD v4.1: 5 of 1,578,298 alleles (0.00032%); highest among the groups gnomAD compares: Non-Finnish European, 0.00043%; no homozygotes.

Submissions (5):

Labcorp Genetics (formerly Invitae), Labcorp
Classification: Uncertain significance for Catecholaminergic polymorphic ventricular tachycardia 1. Last evaluated: 2025-09-02. Review status: criteria provided, single submitter. Criteria: Invitae Variant Classification Sherloc (09022015). Collection method: clinical testing. Allele origin: germline.
Comment: This sequence change replaces asparagine, which is neutral and polar, with histidine, which is basic and polar, at codon 4501 of the RYR2 protein (p.Asn4501His). This variant is not present in population databases (gnomAD no frequency). This variant has not been reported in the literature in individuals affected with RYR2-related conditions. ClinVar contains an entry for this variant (Variation ID: 1677848). Invitae Evidence Modeling of protein sequence and biophysical properties (such as structural, functional, and spatial information, amino acid conservation, physicochemical variation, residue mobility, and thermodynamic stability) indicates that this missense variant is expected to disrupt RYR2 protein function with a positive predictive value of 95%. In summary, the available evidence is currently insufficient to determine the role of this variant in disease. Therefore, it has been classified as a Variant of Uncertain Significance.

GeneDx
Classification: Uncertain significance. Last evaluated: 2025-07-10. Review status: criteria provided, single submitter. Criteria: GeneDx Variant Classification Process June 2021. Collection method: clinical testing. Allele origin: germline. Affected: yes.
Comment: Not observed at significant frequency in large population cohorts (gnomAD); In silico analysis supports that this missense variant has a deleterious effect on protein structure/function; Has not been previously published as pathogenic or benign to our knowledge; Located in one of the three hot-spot regions of the RYR2 gene, where the majority of pathogenic missense variants occur (PMID: 19926015); This variant is associated with the following publications: (PMID: 19926015)

All of Us Research Program, National Institutes of Health
Classification: Uncertain significance for Catecholaminergic polymorphic ventricular tachycardia. Last evaluated: 2024-08-13. Review status: criteria provided, single submitter. Criteria: ACMG Guidelines, 2015. Collection method: clinical testing. Allele origin: germline. Inheritance: Autosomal dominant inheritance. Observed: 3 variant alleles, 3 heterozygotes.
Comment: This missense variant replaces asparagine with histidine at codon 4501 of the RYR2 protein. Computational prediction suggests that this variant may have deleterious impact on protein structure and function (internally defined REVEL score threshold >= 0.7, PMID: 27666373). To our knowledge, functional studies have not been reported for this variant. This variant has not been reported in individuals affected with cardiovascular disorders in the literature. This variant has not been identified in the general population by the Genome Aggregation Database (gnomAD). The available evidence is insufficient to determine the role of this variant in disease conclusively. Therefore, this variant is classified as a Variant of Uncertain Significance.

This study involves interpretation of variants in research participants for the purpose of population health screening. Participant phenotype was not available at the time of variant classification. Additional details can be found in publication PMID: 35346344, PMCID: PMC8962531

Color Diagnostics, LLC DBA Color Health
Classification: Uncertain significance for Cardiomyopathy. Last evaluated: 2024-03-06. Review status: criteria provided, single submitter. Criteria: ACMG Guidelines, 2015. Collection method: clinical testing. Allele origin: germline.
Comment: This missense variant replaces asparagine with histidine at codon 4501 of the RYR2 protein. Computational prediction suggests that this variant may have deleterious impact on protein structure and function. To our knowledge, functional studies have not been reported for this variant. This variant has not been reported in individuals affected with cardiovascular disorders in the literature. This variant has not been identified in the general population by the Genome Aggregation Database (gnomAD). The available evidence is insufficient to determine the role of this variant in disease conclusively. Therefore, this variant is classified as a Variant of Uncertain Significance.

AiLife Diagnostics
Classification: Uncertain significance. Last evaluated: 2022-01-25. Review status: criteria provided, single submitter. Criteria: ACMG Guidelines, 2015. Collection method: clinical testing. Allele origin: germline. Affected: yes. Observed: 1 variant allele.

NM_001035.3(RYR2):c.13501A>C (p.Asn4501His)

Gene: RYR2 (ryanodine receptor 2; plus strand). Cytogenetic location: 1q43.
Variant type: single nucleotide variant.
Coding change: c.13501A>C on transcript NM_001035.3 (MANE Select); coding-DNA position 13501, A replaced by C.
Protein change: p.Asn4501His; replaces asparagine 4501 with histidine.
Molecular consequence: missense variant.
Genome position (GRCh38, 1-based): chr1:237,791,453, A>C. VCF-style: chr1-237791453-A-C. GRCh37 (hg19) VCF-style: chr1-237954753-A-C.
Other names: c.13501A>C (NM_001035.2); short protein forms N4501H.
Identifiers: ClinVar variation 1677848 (VCV001677848.7), dbSNP rs1445700179, ClinGen allele CA345417068.